The following is an entry in ClinVar:

NM_032447.5(FBN3):c.716A>G (p.Asn239Ser)

Gene: FBN3 (fibrillin 3; minus strand). Cytogenetic location: 19p13.2.
Variant type: single nucleotide variant.
Coding change: c.716A>G on transcript NM_032447.5 (MANE Select); coding-DNA position 716, A replaced by G.
Protein change: p.Asn239Ser; replaces asparagine 239 with serine.
Molecular consequence: missense variant.
Genome position (GRCh38, 1-based): chr19:8,141,963, T>C on the plus strand (A>G on the coding strand, the complement: FBN3 is on the minus strand). VCF-style: chr19-8141963-T-C. GRCh37 (hg19) VCF-style: chr19-8206847-T-C.
Other names: c.716A>G, p.Asn239Ser (NM_001321431.2); c.716A>G (NM_001321431.1); short protein forms N239S.
Identifiers: ClinVar variation 774730 (VCV000774730.13), dbSNP rs35525553, ClinGen allele CA9153627.

ClinVar aggregate classification (germline): Benign. Review status: criteria provided, multiple submitters, no conflicts (2 of 4 stars). 3 submissions from 3 submitters: Benign (2). 1 of the submissions does not count toward it. Last evaluated 2026-01-18.

Conditions:
FBN3-related disorder. Also called: FBN3-related condition.

Allele frequency attached by ClinVar (database versions not stated): gnomAD exomes 0.00453; ExAC 0.00491; 1000 Genomes Project 0.01118; ESP Exome Variant Server 0.01153; gnomAD 0.01156 and 0.01239; 1000 Genomes Project 30x 0.01187; TOPMed 0.01234.
gnomAD v4.1: 7,492 of 1,614,174 alleles (0.46%); highest among the groups gnomAD compares: African/African-American, 3.5%; 64 homozygotes.

Submissions (3):

Labcorp Genetics (formerly Invitae), Labcorp
Classification: Benign. Last evaluated: 2026-01-18. Review status: criteria provided, single submitter. Criteria: Invitae Variant Classification Sherloc (09022015). Collection method: clinical testing. Allele origin: germline.

Breakthrough Genomics
Classification: Benign. Review status: criteria provided, single submitter. Criteria: ACMG Guidelines, 2015. Collection method: not provided. Allele origin: germline. Inheritance: Unknown mechanism. Affected: yes.

PreventionGenetics, part of Exact Sciences
Classification: Benign for FBN3-related condition. Last evaluated: 2019-02-21. Review status: no assertion criteria provided. Collection method: clinical testing. Allele origin: germline. Not counted in ClinVar's aggregate classification.
Comment: This variant is classified as benign based on ACMG/AMP sequence variant interpretation guidelines (Richards et al. 2015 PMID: 25741868, with internal and published modifications).